The following is an entry in ClinVar:

ClinVar aggregate classification (germline): Likely benign (1 of 4 stars; one submission).

Allele frequency attached by ClinVar (database versions not stated): gnomAD exomes 0.00007; gnomAD 0.00027; ESP Exome Variant Server 0.00032; 1000 Genomes Project 0.00040; TOPMed 0.00054; 1000 Genomes Project 30x 0.00078.
gnomAD v4.1: 159 of 1,608,850 alleles (0.0099%); highest among the groups gnomAD compares: Middle Eastern, 0.2%; no homozygotes.

Submission:

CeGaT Center for Human Genetics Tuebingen
Classification: Likely benign. Last evaluated: 2022-09-01. Review status: criteria provided, single submitter. Criteria: CeGaT Center For Human Genetics Tuebingen Variant Classification Criteria Version 2. Collection method: clinical testing. Allele origin: germline. Affected: yes. Observed: 1 variant allele.
Comment: GFPT2: BP4, BP7

NM_005110.4(GFPT2):c.765C>T (p.Ala255=)

Gene: GFPT2 (glutamine--fructose-6-phosphate transaminase 2; minus strand). Cytogenetic location: 5q35.3.
Variant type: single nucleotide variant.
Coding change: c.765C>T on transcript NM_005110.4 (MANE Select); coding-DNA position 765, C replaced by T.
Protein change: p.Ala255=; no amino-acid change (alanine 255 retained).
Molecular consequence: synonymous variant.
Genome position (GRCh38, 1-based): chr5:180,324,217, G>A on the plus strand (C>T on the coding strand, the complement: GFPT2 is on the minus strand). VCF-style: chr5-180324217-G-A. GRCh37 (hg19) VCF-style: chr5-179751217-G-A.
Identifiers: ClinVar variation 2656148 (VCV002656148.24), dbSNP rs191781621, ClinGen allele CA3604680.